The following is an entry in ClinVar:

ClinVar aggregate classification (germline): Uncertain significance. Review status: criteria provided, multiple submitters, no conflicts (2 of 4 stars). 2 submissions from 2 submitters: Uncertain significance (2). Last evaluated 2019-09-26.

Conditions:
Muscular dystrophy-dystroglycanopathy (congenital with brain and eye anomalies), type A3. Also called: Congenital muscular dystrophy-dystroglycanopathy with brain and eye anomalies, type A3; WALKER-WARBURG SYNDROME OR MUSCLE-EYE-BRAIN DISEASE, POMGNT1-RELATED; Muscular dystrophy-dystroglycanopathy (congenital with brain and eye anomalies), type A, 3. Identifiers: MedGen C3151519, MONDO:0009667, OMIM 253280.

Allele frequency attached by ClinVar (database versions not stated): TOPMed 0.00001.

Submissions (2):

Baylor Genetics
Classification: Uncertain significance for Muscular dystrophy-dystroglycanopathy (congenital with brain and eye anomalies), type A3. Last evaluated: 2019-09-26. Review status: criteria provided, single submitter. Criteria: ACMG Guidelines, 2015. Collection method: clinical testing. Allele origin: unknown. Affected: yes.
Comment: This variant was determined to be of uncertain significance according to ACMG Guidelines, 2015 [PMID:25741868].

Daryl Scott Lab, Baylor College of Medicine
Classification: Uncertain significance for Muscular dystrophy-dystroglycanopathy (congenital with brain and eye anomalies), type A3. Review status: criteria provided, single submitter. Criteria: ACMG Guidelines, 2015. Collection method: clinical testing. Allele origin: unknown. Affected: yes.
Comment: PM2, PP3

NM_017739.4(POMGNT1):c.703G>A (p.Gly235Arg)

Genes: POMGNT1 (protein O-linked mannose N-acetylglucosaminyltransferase 1 (beta 1,2-); minus strand), TSPAN1 (tetraspanin 1; plus strand). Cytogenetic location: 1p34.1.
Variant type: single nucleotide variant.
Coding change: c.703G>A on transcript NM_017739.4 (MANE Select); coding-DNA position 703, G replaced by A.
Protein change: p.Gly235Arg; replaces glycine 235 with arginine.
Molecular consequence: missense variant.
Genome position (GRCh38, 1-based): chr1:46,194,601, C>T on the plus strand (G>A on the coding strand, the complement: POMGNT1 is on the minus strand). VCF-style: chr1-46194601-C-T. GRCh37 (hg19) VCF-style: chr1-46660273-C-T.
Other names: c.703G>A, p.Gly235Arg (NM_001243766.2, NM_001410783.1); c.637G>A, p.Gly213Arg (NM_001290129.3); c.274G>A, p.Gly92Arg (NM_001290130.2); short protein forms G213R, G235R, G92R.
Identifiers: ClinVar variation 1030590 (VCV001030590.2), dbSNP rs1658069732, ClinGen allele CA340184135.